The following is an entry in ClinVar:

ClinVar aggregate classification (germline): Uncertain significance (1 of 4 stars; one submission).

Conditions:
Oligodontia-cancer predisposition syndrome. Also called: TOOTH AGENESIS-COLORECTAL CANCER SYNDROME. Identifiers: Orphanet 300576, MedGen C1837750, MONDO:0012075, OMIM 608615. Disease mechanism: loss of function.

Allele frequency attached by ClinVar (database versions not stated): gnomAD exomes below 0.00001; ExAC 0.00001.
gnomAD v4.1: 2 of 1,612,824 alleles (0.00012%); highest among the groups gnomAD compares: Middle Eastern, 0.017%; no homozygotes.

Submission:

Labcorp Genetics (formerly Invitae), Labcorp
Classification: Uncertain significance for Oligodontia-cancer predisposition syndrome. Last evaluated: 2024-04-03. Review status: criteria provided, single submitter. Criteria: Invitae Variant Classification Sherloc (09022015). Collection method: clinical testing. Allele origin: germline.
Comment: This sequence change replaces cysteine, which is neutral and slightly polar, with tyrosine, which is neutral and polar, at codon 497 of the AXIN2 protein (p.Cys497Tyr). This variant is not present in population databases (gnomAD no frequency). This variant has not been reported in the literature in individuals affected with AXIN2-related conditions. ClinVar contains an entry for this variant (Variation ID: 840341). An algorithm developed to predict the effect of missense changes on protein structure and function (PolyPhen-2) suggests that this variant is likely to be tolerated. In summary, the available evidence is currently insufficient to determine the role of this variant in disease. Therefore, it has been classified as a Variant of Uncertain Significance.

NM_004655.4(AXIN2):c.1490G>A (p.Cys497Tyr)

Gene: AXIN2 (axin 2; minus strand). Cytogenetic location: 17q24.1.
Variant type: single nucleotide variant.
Coding change: c.1490G>A on transcript NM_004655.4 (MANE Select); coding-DNA position 1490, G replaced by A.
Protein change: p.Cys497Tyr; replaces cysteine 497 with tyrosine.
Molecular consequence: missense variant.
Genome position (GRCh38, 1-based): chr17:65,537,546, C>T on the plus strand (G>A on the coding strand, the complement: AXIN2 is on the minus strand). VCF-style: chr17-65537546-C-T. GRCh37 (hg19) VCF-style: chr17-63533664-C-T.
Other names: c.1490G>A, p.Cys497Tyr (NM_001363813.1); short protein forms C497Y.
Identifiers: ClinVar variation 840341 (VCV000840341.9), dbSNP rs769558841, ClinGen allele CA8718632.
Genomic context (GRCh38, chr17:65,537,546, plus strand): 5'-TGGTGGTGGACATGCTTCGTCGTCTGCTTGGTCACAAAGCCTTTGCCCCCGAGGAGGGGG[C>T]AGGCGCCCGGCGAGGCGGCCGCGGGAGGCAGCTTGCCACCGGGCGGGAGCAGGGAGTGGT-3'
Protein context (NP_004646.3, residues 487-507): LPPAAASPGA[Cys497Tyr]PLLGGKGFVT